The following is an entry in ClinVar:

NM_133510.4(RAD51B):c.316-11_316-3del

Gene: RAD51B (RAD51 paralog B; plus strand). Cytogenetic location: 14q24.1.
Variant type: Deletion.
Coding change: c.316-11_316-3del on transcript NM_133510.4 (MANE Select); 11 bases into the intron before coding-DNA position 316 through 3 bases into the intron before coding-DNA position 316, 9 bases deleted (TTTTTTTTT; older notation c.316-11_316-3delTTTTTTTTT).
Molecular consequence: intron variant.
Genome position (GRCh38, 1-based): chr14:67,864,992-67,865,000, TTTTTTTTT deleted; deleting any 9 consecutive bases within chr14:67,864,962-67,865,000 gives the same sequence; the c. name uses the placement nearest the transcript's 3' end. VCF-style (leftmost placement, unchanged base first): chr14-67864961-CTTTTTTTTT-C. GRCh37 (hg19) VCF-style: chr14-68331678-CTTTTTTTTT-C.
Other names: c.316-11_316-3del (NM_001321818.2, NM_001321809.2, NM_001321821.2 and 6 more transcripts); c.-42-11_-42-3del (NM_001321817.2); c.202-11_202-3del (NM_001321815.1).
Identifiers: ClinVar variation 3037667 (VCV003037667.2), dbSNP rs745505141, ClinGen allele CA707973651.

ClinVar aggregate classification (germline): Likely benign (0 of 4 stars; one submission).

Conditions:
RAD51B-related disorder. Also called: RAD51B-related condition.

Submission:

PreventionGenetics, part of Exact Sciences
Classification: Likely benign for RAD51B-related condition. Last evaluated: 2019-06-02. Review status: no assertion criteria provided. Collection method: clinical testing. Allele origin: germline.
Comment: This variant is classified as likely benign based on ACMG/AMP sequence variant interpretation guidelines (Richards et al. 2015 PMID: 25741868, with internal and published modifications).